The following is an entry in ClinVar:

ClinVar aggregate classification (germline): Uncertain significance. Review status: criteria provided, multiple submitters, no conflicts (2 of 4 stars). 2 submissions from 2 submitters: Uncertain significance (2). Last evaluated 2026-08-06.

Conditions:
Pseudoxanthoma elasticum, forme fruste. Also called: PSEUDOXANTHOMA ELASTICUM, HETEROZYGOUS; Pseudoxanthoma Elasticum, Incomplete. Identifiers: Orphanet 758, MedGen C1867450, MONDO:0008333, OMIM 177850.

Submissions (2):

OLLIN Analises Genomicas, OLLIN
Classification: Uncertain significance for Pseudoxanthoma elasticum, forme fruste. Last evaluated: 2026-08-06. Review status: criteria provided, single submitter. Criteria: ACMG Guidelines 2015 PMID 25741868. Collection method: clinical testing. Allele origin: germline. Inheritance: Autosomal recessive inheritance.
Comment: This missense variant, located in exon 19 (of 31), has been reported in ClinVar (accession VCV001365992.6) and in gnomAD with an allele frequency of 0.000062%. However, to our knowledge, it has not been reported in the scientific literature. In silico analysis is inconclusive regarding the impact of this variant. According to the currently available evidence, this variant has been classified as uncertain significance (PM2_P).

Labcorp Genetics (formerly Invitae), Labcorp
Classification: Uncertain significance. Last evaluated: 2022-08-13. Review status: criteria provided, single submitter. Criteria: Invitae Variant Classification Sherloc (09022015). Collection method: clinical testing. Allele origin: germline.
Comment: In summary, the available evidence is currently insufficient to determine the role of this variant in disease. Therefore, it has been classified as a Variant of Uncertain Significance. Algorithms developed to predict the effect of sequence changes on RNA splicing suggest that this variant may disrupt the consensus splice site. Algorithms developed to predict the effect of missense changes on protein structure and function are either unavailable or do not agree on the potential impact of this missense change (SIFT: "Deleterious"; PolyPhen-2: "Possibly Damaging"; Align-GVGD: "Class C0"). ClinVar contains an entry for this variant (Variation ID: 1365992). This variant has not been reported in the literature in individuals affected with ABCC6-related conditions. This variant is not present in population databases (gnomAD no frequency). This sequence change replaces isoleucine, which is neutral and non-polar, with methionine, which is neutral and non-polar, at codon 831 of the ABCC6 protein (p.Ile831Met).

NM_001171.6(ABCC6):c.2493C>G (p.Ile831Met)

Gene: ABCC6 (ATP binding cassette subfamily C member 6; minus strand). Cytogenetic location: 16p13.11.
Variant type: single nucleotide variant.
Coding change: c.2493C>G on transcript NM_001171.6 (MANE Select); coding-DNA position 2493, C replaced by G.
Protein change: p.Ile831Met; replaces isoleucine 831 with methionine.
Molecular consequence: missense variant.
Genome position (GRCh38, 1-based): chr16:16,177,549, G>C on the plus strand (C>G on the coding strand, the complement: ABCC6 is on the minus strand). VCF-style: chr16-16177549-G-C. GRCh37 (hg19) VCF-style: chr16-16271406-G-C.
Other names: c.2151C>G, p.Ile717Met (NM_001351800.1); short protein forms I831M, I717M.
Identifiers: ClinVar variation 1365992 (VCV001365992.7), dbSNP rs910811997, ClinGen allele CA278644279.